The following is an entry in ClinVar:

NM_213655.5(WNK1):c.2878C>A (p.Leu960Met)

Gene: WNK1 (WNK lysine deficient protein kinase 1; plus strand). Cytogenetic location: 12p13.33.
Variant type: single nucleotide variant.
Coding change: c.2878C>A on transcript NM_213655.5 (MANE Plus Clinical); coding-DNA position 2878, C replaced by A.
Protein change: p.Leu960Met; replaces leucine 960 with methionine.
Molecular consequence: missense variant. On other transcripts: intron variant (2).
Genome position (GRCh38, 1-based): chr12:868,349, C>A. VCF-style: chr12-868349-C-A. GRCh37 (hg19) VCF-style: chr12-977515-C-A.
Other names: c.2623C>A, p.Leu875Met (NM_001184985.2); c.2140-2916C>A (NM_018979.4, NM_014823.3); short protein forms L875M, L960M.
Identifiers: ClinVar variation 1717567 (VCV001717567.5), dbSNP rs2548790966, ClinGen allele CA383339807.

ClinVar aggregate classification (germline): Uncertain significance (1 of 4 stars; one submission).

Conditions:
Neuropathy, hereditary sensory and autonomic, type 2A (HSAN2A). Also called: MORVAN DISEASE; NEUROPATHY, CONGENITAL SENSORY; NEUROPATHY, HEREDITARY SENSORY RADICULAR, AUTOSOMAL RECESSIVE; NEUROPATHY, HEREDITARY SENSORY, TYPE IIA; NEUROPATHY, PROGRESSIVE SENSORY, OF CHILDREN; ACROOSTEOLYSIS, GIACCAI TYPE. Identifiers: Orphanet 970, MedGen C2752089, MONDO:0024309, OMIM 201300.
Pseudohypoaldosteronism type 2C (PHA2C). Also called: Pseudohypoaldosteronism Type IIC. Identifiers: Orphanet 757, Orphanet 88940, MedGen C1840391, MONDO:0013778, OMIM 614492.

gnomAD v4.1: 2 of 1,613,886 alleles (0.00012%); highest among the groups gnomAD compares: Admixed American, 0.0033%; no homozygotes.

Submission:

Labcorp Genetics (formerly Invitae), Labcorp
Classification: Uncertain significance for Neuropathy, hereditary sensory and autonomic, type 2A; Pseudohypoaldosteronism type 2C. Last evaluated: 2022-08-22. Review status: criteria provided, single submitter. Criteria: Invitae Variant Classification Sherloc (09022015). Collection method: clinical testing. Allele origin: germline.
Comment: In summary, the available evidence is currently insufficient to determine the role of this variant in disease. Therefore, it has been classified as a Variant of Uncertain Significance. Advanced modeling of protein sequence and biophysical properties (such as structural, functional, and spatial information, amino acid conservation, physicochemical variation, residue mobility, and thermodynamic stability) performed at Invitae indicates that this missense variant is not expected to disrupt WNK1 protein function. This variant has not been reported in the literature in individuals affected with WNK1-related conditions. This variant is not present in population databases (gnomAD no frequency). This sequence change replaces leucine, which is neutral and non-polar, with methionine, which is neutral and non-polar, at codon 960 of the WNK1 protein (p.Leu960Met).